The following is an entry in ClinVar:

ClinVar aggregate classification (germline): Uncertain significance. Review status: criteria provided, multiple submitters, no conflicts (2 of 4 stars). 3 submissions from 3 submitters: Uncertain significance (3). Last evaluated 2026-07-09.

Conditions:
Cardiomyopathy (CMYO). Also called: Cardiomyopathies. Identifiers: Orphanet 167848, MedGen C0878544, MONDO:0004994, HP:0001638. Inheritance: Various modes of inheritance.
Cardiovascular phenotype. Identifiers: MedGen CN230736.
Hypertrophic cardiomyopathy. Also called: HYPERTROPHIC MYOCARDIOPATHY. Identifiers: Orphanet 217569, MedGen C0007194, MeSH D002312, MONDO:0005045, HP:0001639.

Allele frequency attached by ClinVar (database versions not stated): TOPMed below 0.00001.

Submissions (3):

Ambry Genetics
Classification: Uncertain significance for Cardiovascular phenotype. Last evaluated: 2026-07-09. Review status: criteria provided, single submitter. Criteria: Ambry Variant Classification Scheme 2023. Collection method: clinical testing. Allele origin: germline.
Comment: The p.V47D variant (also known as c.140T>A), located in coding exon 1 of the MYH7 gene, results from a T to A substitution at nucleotide position 140. The valine at codon 47 is replaced by aspartic acid, an amino acid with highly dissimilar properties. This amino acid position is conserved. In addition, this alteration is predicted to be deleterious by in silico analysis. Based on the available evidence, the clinical significance of this variant remains unclear.

Labcorp Genetics (formerly Invitae), Labcorp
Classification: Uncertain significance for Hypertrophic cardiomyopathy. Last evaluated: 2025-12-01. Review status: criteria provided, single submitter. Criteria: Invitae Variant Classification Sherloc (09022015). Collection method: clinical testing. Allele origin: germline.
Comment: This sequence change replaces valine, which is neutral and non-polar, with aspartic acid, which is acidic and polar, at codon 47 of the MYH7 protein (p.Val47Asp). This variant is not present in population databases (gnomAD no frequency). This variant has not been reported in the literature in individuals affected with MYH7-related conditions. ClinVar contains an entry for this variant (Variation ID: 3073283). Invitae Evidence Modeling of protein sequence and biophysical properties (such as structural, functional, and spatial information, amino acid conservation, physicochemical variation, residue mobility, and thermodynamic stability) indicates that this missense variant is expected to disrupt MYH7 protein function with a positive predictive value of 95%. In summary, the available evidence is currently insufficient to determine the role of this variant in disease. Therefore, it has been classified as a Variant of Uncertain Significance.

All of Us Research Program, National Institutes of Health
Classification: Uncertain significance for Cardiomyopathy. Last evaluated: 2023-09-04. Review status: criteria provided, single submitter. Criteria: ACMG Guidelines, 2015. Collection method: clinical testing. Allele origin: germline. Inheritance: Autosomal dominant inheritance. Observed: 1 variant allele, 1 heterozygote.
Comment: This missense variant replaces valine with aspartic acid at codon 47 of the MYH7 protein. Computational prediction suggests that this variant may have deleterious impact on protein structure and function (internally defined REVEL score threshold >= 0.7, PMID: 27666373). To our knowledge, functional studies have not been reported for this variant. This variant has not been reported in individuals affected with MYH7-related disorders in the literature. This variant has not been identified in the general population by the Genome Aggregation Database (gnomAD). The available evidence is insufficient to determine the role of this variant in disease conclusively. Therefore, this variant is classified as a Variant of Uncertain Significance.

This study involves interpretation of variants in research participants for the purpose of population health screening. Participant phenotype was not available at the time of variant classification. Additional details can be found in publication PMID: 35346344, PMCID: PMC8962531

NM_000257.4(MYH7):c.140T>A (p.Val47Asp)

Gene: MYH7 (myosin heavy chain 7; minus strand). Cytogenetic location: 14q11.2.
Variant type: single nucleotide variant.
Coding change: c.140T>A on transcript NM_000257.4 (MANE Select); coding-DNA position 140, T replaced by A.
Protein change: p.Val47Asp; replaces valine 47 with aspartic acid.
Molecular consequence: missense variant.
Genome position (GRCh38, 1-based): chr14:23,433,593, A>T on the plus strand (T>A on the coding strand, the complement: MYH7 is on the minus strand). VCF-style: chr14-23433593-A-T. GRCh37 (hg19) VCF-style: chr14-23902802-A-T.
Other names: c.140T>A, p.Val47Asp (NM_001407004.1); short protein forms V47D.
Identifiers: ClinVar variation 3073283 (VCV003073283.3), dbSNP rs1595091435, ClinGen allele CA389053770.